The following is an entry in ClinVar:

NM_014363.6(SACS):c.9404del (p.Leu3134_Leu3135insTer)

Gene: SACS (sacsin molecular chaperone; minus strand). Cytogenetic location: 13q12.12.
Variant type: Deletion.
Coding change: c.9404del on transcript NM_014363.6 (MANE Select); coding-DNA position 9404, one base deleted (T; older notation c.9404delT).
Protein change: p.Leu3134_Leu3135insTer.
Molecular consequence: nonsense.
Genome position (GRCh38, 1-based): chr13:23,334,472, A deleted on the plus strand (T on the coding strand, the reverse complement: SACS is on the minus strand); the first of 4 consecutive A bases (chr13:23,334,472-23,334,475); deleting any one gives the same sequence. VCF-style (leftmost placement, unchanged base first): chr13-23334471-TA-T. GRCh37 (hg19) VCF-style: chr13-23908610-TA-T.
Other names: c.8963del, p.Leu2987_Leu2988insTer (NM_001278055.2); c.9431del, p.Leu3143_Leu3144insTer (NM_001437336.1).
Identifiers: ClinVar variation 4735610 (VCV004735610.1).

ClinVar aggregate classification (germline): Pathogenic (1 of 4 stars; one submission).

Conditions:
Spastic paraplegia. Identifiers: MedGen C0037772, HP:0001258.

Submission:

Labcorp Genetics (formerly Invitae), Labcorp
Classification: Pathogenic for Spastic paraplegia. Last evaluated: 2026-01-18. Review status: criteria provided, single submitter. Criteria: Invitae Variant Classification Sherloc (09022015). Collection method: clinical testing. Allele origin: germline.
Comment: This sequence change creates a premature translational stop signal (p.Leu3135*) in the SACS gene. While this is not anticipated to result in nonsense mediated decay, it is expected to disrupt the last 1445 amino acid(s) of the SACS protein. This variant is not present in population databases (gnomAD no frequency). This variant has not been reported in the literature in individuals affected with SACS-related conditions. This variant disrupts a region of the SACS protein in which other variant(s) (p.Leu3135Ser) have been determined to be pathogenic (PMID: 29538656; internal data). This suggests that this is a clinically significant region of the protein, and that variants that disrupt it are likely to be disease-causing. For these reasons, this variant has been classified as Pathogenic.

Literature cited by the submitters: PubMed 29538656.